The following is an entry in ClinVar:

NM_001105206.3(LAMA4):c.4373A>G (p.His1458Arg)

Gene: LAMA4 (laminin subunit alpha 4; minus strand). Cytogenetic location: 6q21.
Variant type: single nucleotide variant.
Coding change: c.4373A>G on transcript NM_001105206.3 (MANE Select); coding-DNA position 4373, A replaced by G.
Protein change: p.His1458Arg; replaces histidine 1458 with arginine.
Molecular consequence: missense variant.
Genome position (GRCh38, 1-based): chr6:112,122,116, T>C on the plus strand (A>G on the coding strand, the complement: LAMA4 is on the minus strand). VCF-style: chr6-112122116-T-C. GRCh37 (hg19) VCF-style: chr6-112443319-T-C.
Other names: c.4352A>G, p.His1451Arg (NM_001105207.3, NM_002290.5); short protein forms H1451R, H1458R.
Identifiers: ClinVar variation 2745824 (VCV002745824.3), dbSNP rs2546980412, ClinGen allele CA365371146.

ClinVar aggregate classification (germline): Uncertain significance (1 of 4 stars; one submission).

Conditions:
Dilated cardiomyopathy 1JJ (CMD1JJ). Identifiers: Orphanet 154, MedGen C3808935, MONDO:0014095, OMIM 615235.

Submission:

Labcorp Genetics (formerly Invitae), Labcorp
Classification: Uncertain significance for Dilated cardiomyopathy 1JJ. Last evaluated: 2023-07-22. Review status: criteria provided, single submitter. Criteria: Invitae Variant Classification Sherloc (09022015). Collection method: clinical testing. Allele origin: germline.
Comment: In summary, the available evidence is currently insufficient to determine the role of this variant in disease. Therefore, it has been classified as a Variant of Uncertain Significance. Algorithms developed to predict the effect of missense changes on protein structure and function output the following: SIFT: "Not Available"; PolyPhen-2: "Benign"; Align-GVGD: "Not Available". The arginine amino acid residue is found in multiple mammalian species, which suggests that this missense change does not adversely affect protein function. This variant has not been reported in the literature in individuals affected with LAMA4-related conditions. This variant is not present in population databases (gnomAD no frequency). This sequence change replaces histidine, which is basic and polar, with arginine, which is basic and polar, at codon 1451 of the LAMA4 protein (p.His1451Arg).